The following is an entry in ClinVar:

NM_015846.4(MBD1):c.1200C>T (p.Pro400=)

Gene: MBD1 (methyl-CpG binding domain protein 1; minus strand). Cytogenetic location: 18q21.1.
Variant type: single nucleotide variant.
Coding change: c.1200C>T on transcript NM_015846.4 (MANE Select); coding-DNA position 1200, C replaced by T.
Protein change: p.Pro400=; no amino-acid change (proline 400 retained).
Molecular consequence: synonymous variant.
Genome position (GRCh38, 1-based): chr18:50,273,810, G>A on the plus strand (C>T on the coding strand, the complement: MBD1 is on the minus strand). VCF-style: chr18-50273810-G-A. GRCh37 (hg19) VCF-style: chr18-47800180-G-A.
Other names: c.1200C>T, p.Pro400= (NM_001204136.2, NM_001204139.2, NM_001204142.2 and 7 more transcripts); c.1275C>T, p.Pro425= (NM_001204137.2, NM_001323942.2, NM_001323947.2 and 11 more transcripts); c.1272C>T, p.Pro424= (NM_001204138.2, NM_001388141.1); c.1107C>T, p.Pro369= (NM_001204140.2, NM_001388139.1, NM_001388142.1 and 5 more transcripts); c.1050C>T, p.Pro350= (NM_001204141.2); c.1032C>T, p.Pro344= (NM_001204143.2, NM_001388144.1, NM_001388157.1 and 5 more transcripts); c.1131C>T, p.Pro377= (NM_001204151.3, NM_015845.4); c.768C>T, p.Pro256= (NM_001323949.2); and 5 more.
Identifiers: ClinVar variation 757639 (VCV000757639.27), dbSNP rs761662700, ClinGen allele CA8962883.

ClinVar aggregate classification (germline): Likely benign. Review status: criteria provided, multiple submitters, no conflicts (2 of 4 stars). 2 submissions from 2 submitters: Likely benign (2). Last evaluated 2022-07-01.

Allele frequency attached by ClinVar (database versions not stated): ExAC 0.00001; gnomAD 0.00002; gnomAD exomes 0.00002 and 0.00003; TOPMed 0.00003.
gnomAD v4.1: 46 of 1,613,598 alleles (0.0029%); highest among the groups gnomAD compares: Non-Finnish European, 0.0037%; no homozygotes.

Submissions (2):

CeGaT Center for Human Genetics Tuebingen
Classification: Likely benign. Last evaluated: 2022-07-01. Review status: criteria provided, single submitter. Criteria: CeGaT Center For Human Genetics Tuebingen Variant Classification Criteria Version 2. Collection method: clinical testing. Allele origin: germline. Affected: yes. Observed: 1 variant allele.
Comment: MBD1: BP4, BP7

Labcorp Genetics (formerly Invitae), Labcorp
Classification: Likely benign. Last evaluated: 2018-07-02. Review status: criteria provided, single submitter. Criteria: Invitae Variant Classification Sherloc (09022015). Collection method: clinical testing. Allele origin: germline.